The following is an entry in ClinVar:

NM_001367624.2(ZNF469):c.3730del (p.Ala1244fs)

Gene: ZNF469 (zinc finger protein 469; plus strand). Cytogenetic location: 16q24.2.
Variant type: Deletion.
Coding change: c.3730del on transcript NM_001367624.2 (MANE Select); coding-DNA position 3730, one base deleted (G; older notation c.3730delG).
Protein change: p.Ala1244fs; shifts the reading frame from alanine 1244.
Molecular consequence: frameshift variant.
Genome position (GRCh38, 1-based): chr16:88,431,200, G deleted; the last of 2 consecutive G bases (chr16:88,431,199-88,431,200); deleting either gives the same sequence. VCF-style (leftmost placement, unchanged base first): chr16-88431198-AG-A. GRCh37 (hg19) VCF-style: chr16-88497606-AG-A.
Other names: short protein forms A1244fs.
Identifiers: ClinVar variation 2832622 (VCV002832622.3), dbSNP rs2507584642, ClinGen allele CA2739266938.

ClinVar aggregate classification (germline): Pathogenic (1 of 4 stars; one submission).

Submission:

Labcorp Genetics (formerly Invitae), Labcorp
Classification: Pathogenic. Last evaluated: 2023-01-28. Review status: criteria provided, single submitter. Criteria: Invitae Variant Classification Sherloc (09022015). Collection method: clinical testing. Allele origin: germline.
Comment: For these reasons, this variant has been classified as Pathogenic. This variant disrupts a region of the ZNF469 protein in which other variant(s) (p.Pro3556Glnfs*136) have been determined to be pathogenic (PMID: 32671420). This suggests that this is a clinically significant region of the protein, and that variants that disrupt it are likely to be disease-causing. This variant has not been reported in the literature in individuals affected with ZNF469-related conditions. This variant is not present in population databases (gnomAD no frequency). This sequence change creates a premature translational stop signal (p.Ala1216Leufs*20) in the ZNF469 gene. While this is not anticipated to result in nonsense mediated decay, it is expected to disrupt the last 2710 amino acid(s) of the ZNF469 protein.

Literature cited by the submitters: PubMed 32671420.